The following is an entry in ClinVar:

NM_003482.4(KMT2D):c.2196G>A (p.Pro732=)

Gene: KMT2D (lysine methyltransferase 2D; minus strand). Cytogenetic location: 12q13.12.
Variant type: single nucleotide variant.
Coding change: c.2196G>A on transcript NM_003482.4 (MANE Select); coding-DNA position 2196, G replaced by A.
Protein change: p.Pro732=; no amino-acid change (proline 732 retained).
Molecular consequence: synonymous variant.
Genome position (GRCh38, 1-based): chr12:49,051,487, C>T on the plus strand (G>A on the coding strand, the complement: KMT2D is on the minus strand). VCF-style: chr12-49051487-C-T. GRCh37 (hg19) VCF-style: chr12-49445270-C-T.
Identifiers: ClinVar variation 1531484 (VCV001531484.9), dbSNP rs375308348, ClinGen allele CA6548322.

ClinVar aggregate classification (germline): Likely benign. Review status: criteria provided, multiple submitters, no conflicts (2 of 4 stars). 2 submissions from 2 submitters: Likely benign (2). Last evaluated 2026-08-01.

Conditions:
Kabuki syndrome. Also called: NIIKAWA-KUROKI SYNDROME; Kabuki make-up syndrome. Identifiers: Orphanet 2322, MedGen C0796004, MONDO:0016512.

Allele frequency attached by ClinVar (database versions not stated): gnomAD exomes 0.00001; ExAC 0.00002; ESP Exome Variant Server 0.00008.
gnomAD v4.1: 24 of 1,613,192 alleles (0.0015%); highest among the groups gnomAD compares: East Asian, 0.011%; no homozygotes.

Submissions (2):

CeGaT Center for Human Genetics Tuebingen
Classification: Likely benign. Last evaluated: 2026-08-01. Review status: criteria provided, single submitter. Criteria: CeGaT Center For Human Genetics Tuebingen Variant Classification Criteria Version 2. Collection method: clinical testing. Allele origin: germline. Affected: yes. Observed: 1 variant allele.
Comment: KMT2D: BP4, BP7

Labcorp Genetics (formerly Invitae), Labcorp
Classification: Likely benign for Kabuki syndrome. Last evaluated: 2024-02-24. Review status: criteria provided, single submitter. Criteria: Invitae Variant Classification Sherloc (09022015). Collection method: clinical testing. Allele origin: germline.